The following is an entry in ClinVar:

NM_017612.5(ZCCHC8):c.1517C>T (p.Ala506Val)

Gene: ZCCHC8 (zinc finger CCHC-type containing 8; minus strand). Cytogenetic location: 12q24.31.
Variant type: single nucleotide variant.
Coding change: c.1517C>T on transcript NM_017612.5 (MANE Select); coding-DNA position 1517, C replaced by T.
Protein change: p.Ala506Val; replaces alanine 506 with valine.
Molecular consequence: missense variant.
Genome position (GRCh38, 1-based): chr12:122,474,104, G>A on the plus strand (C>T on the coding strand, the complement: ZCCHC8 is on the minus strand). VCF-style: chr12-122474104-G-A. GRCh37 (hg19) VCF-style: chr12-122958651-G-A.
Other names: c.1286C>T, p.Ala429Val (NM_001350935.2); c.1220C>T, p.Ala407Val (NM_001350936.2); c.803C>T, p.Ala268Val (NM_001350937.2, NM_001350938.2); short protein forms A268V, A407V, A429V, A506V.
Identifiers: ClinVar variation 1717203 (VCV001717203.5), dbSNP rs2547194588, ClinGen allele CA387048832.
Genomic context (GRCh38, chr12:122,474,104, plus strand): 5'-CGCCTCTGCTGTTCTTCAAGTTCTTCTAGAGTCAGTGCGTCCTCATCCACAGCTCCAGAT[G>A]CTGTTCTGGTCTGGGGTGAGTCACTGGGAGTCAGCGGCGGGGTGCCCTTTGGGAGTGGAG-3'
Protein context (NP_060082.2, residues 496-516): TPSDSPQTRT[Ala506Val]SGAVDEDALT

ClinVar aggregate classification (germline): Uncertain significance (1 of 4 stars; one submission).

Submission:

Labcorp Genetics (formerly Invitae), Labcorp
Classification: Uncertain significance. Last evaluated: 2022-08-20. Review status: criteria provided, single submitter. Criteria: Invitae Variant Classification Sherloc (09022015). Collection method: clinical testing. Allele origin: germline.
Comment: This variant is not present in population databases (gnomAD no frequency). This variant has not been reported in the literature in individuals affected with ZCCHC8-related conditions. Algorithms developed to predict the effect of missense changes on protein structure and function are either unavailable or do not agree on the potential impact of this missense change (SIFT: "Tolerated"; PolyPhen-2: "Not Available"; Align-GVGD: "Class C0"). In summary, the available evidence is currently insufficient to determine the role of this variant in disease. Therefore, it has been classified as a Variant of Uncertain Significance. This sequence change replaces alanine, which is neutral and non-polar, with valine, which is neutral and non-polar, at codon 506 of the ZCCHC8 protein (p.Ala506Val).